The following is an entry in ClinVar:

NM_021930.6(RINT1):c.2207T>C (p.Val736Ala)

Genes: EFCAB10 (EF-hand calcium binding domain 10; minus strand), RINT1 (RAD50 interactor 1; plus strand). Cytogenetic location: 7q22.3.
Variant type: single nucleotide variant.
Coding change: c.2207T>C on transcript NM_021930.6 (MANE Select); coding-DNA position 2207, T replaced by C.
Protein change: p.Val736Ala; replaces valine 736 with alanine.
Molecular consequence: missense variant. On other transcripts: 3 prime UTR variant (2), non-coding transcript variant (1), intron variant (3).
Genome position (GRCh38, 1-based): chr7:105,567,139, T>C. VCF-style: chr7-105567139-T-C. GRCh37 (hg19) VCF-style: chr7-105207586-T-C.
Other names: c.*315A>G (NM_001355527.2, NM_001355529.2); c.1973T>C, p.Val658Ala (NM_001346599.2); c.1184T>C, p.Val395Ala (NM_001346600.2, NM_001346603.2); c.1283T>C, p.Val428Ala (NM_001346601.2); c.360-1692A>G (NM_001355531.2); c.383+328A>G (NM_001355526.2, NM_001355530.2); short protein forms V658A, V428A, V395A, V736A.
Identifiers: ClinVar variation 2725324 (VCV002725324.3), dbSNP rs2485201367, ClinGen allele CA368815395.

ClinVar aggregate classification (germline): Uncertain significance (1 of 4 stars; one submission).

Submission:

Labcorp Genetics (formerly Invitae), Labcorp
Classification: Uncertain significance. Last evaluated: 2023-07-14. Review status: criteria provided, single submitter. Criteria: Invitae Variant Classification Sherloc (09022015). Collection method: clinical testing. Allele origin: germline.
Comment: This sequence change replaces valine, which is neutral and non-polar, with alanine, which is neutral and non-polar, at codon 736 of the RINT1 protein (p.Val736Ala). This variant is not present in population databases (gnomAD no frequency). This variant has not been reported in the literature in individuals affected with RINT1-related conditions. An algorithm developed to predict the effect of missense changes on protein structure and function (PolyPhen-2) suggests that this variant is likely to be tolerated. In summary, the available evidence is currently insufficient to determine the role of this variant in disease. Therefore, it has been classified as a Variant of Uncertain Significance.